The following is an entry in ClinVar:

NM_024496.4(IRF2BPL):c.264GGC[8] (p.Ala102_Gln103insAlaAlaAla)

Genes: IRF2BPL (interferon regulatory factor 2 binding protein like; minus strand), LOC107984638 (uncharacterized LOC107984638; plus strand). Cytogenetic location: 14q24.3.
Variant type: Microsatellite.
Coding change: c.264GGC[8] on transcript NM_024496.4 (MANE Select); eight copies in a row of the 3-base unit GGC starting at c.264; the reference has five copies in a row; three copies, 9 bases duplicated.
Protein change: p.Ala102_Gln103insAlaAlaAla.
Molecular consequence: inframe insertion.
Genome position (GRCh38, 1-based): chr14:77,027,515-77,027,523, GCCGCCGCC duplicated on the plus strand (GGCGGCGGC on the coding strand, the reverse complement: IRF2BPL is on the minus strand); duplicating any 9 consecutive bases within chr14:77,027,515-77,027,531 gives the same sequence; the position shown is the placement nearest the transcript's 3' end. VCF-style (leftmost placement, unchanged base first): chr14-77027514-T-TGCCGCCGCC. GRCh37 (hg19) VCF-style: chr14-77493857-T-TGCCGCCGCC.
Identifiers: ClinVar variation 3024700 (VCV003024700.24), dbSNP rs749636443, ClinGen allele CA7284051.

ClinVar aggregate classification (germline): Likely benign. Review status: criteria provided, multiple submitters, no conflicts (2 of 4 stars). 3 submissions from 3 submitters: Likely benign (3). Last evaluated 2025-02-16.

Submissions (3):

Laboratory of Genetics, Children's Clinical University Hospital Latvia
Classification: Likely benign. Last evaluated: 2025-02-16. Review status: criteria provided, single submitter. Criteria: ACMG Guidelines, 2015. Collection method: clinical testing. Allele origin: germline. Affected: yes.

Blueprint Genetics
Classification: Likely benign. Last evaluated: 2024-11-27. Review status: criteria provided, single submitter. Criteria: ACMG Guidelines, 2015. Collection method: clinical testing. Allele origin: germline.

CeGaT Center for Human Genetics Tuebingen
Classification: Likely benign. Last evaluated: 2024-02-01. Review status: criteria provided, single submitter. Criteria: CeGaT Center For Human Genetics Tuebingen Variant Classification Criteria Version 2. Collection method: clinical testing. Allele origin: germline. Affected: yes. Observed: 1 variant allele.
Comment: IRF2BPL: BS1